The following is an entry in ClinVar:

NM_024642.5(GALNT12):c.454C>G (p.Leu152Val)

Gene: GALNT12 (polypeptide N-acetylgalactosaminyltransferase 12; plus strand). Cytogenetic location: 9q22.33.
Variant type: single nucleotide variant.
Coding change: c.454C>G on transcript NM_024642.5 (MANE Select); coding-DNA position 454, C replaced by G.
Protein change: p.Leu152Val; replaces leucine 152 with valine.
Molecular consequence: missense variant.
Genome position (GRCh38, 1-based): chr9:98,823,338, C>G. VCF-style: chr9-98823338-C-G. GRCh37 (hg19) VCF-style: chr9-101585620-C-G.
Other names: short protein forms L152V.
Identifiers: ClinVar variation 1511445 (VCV001511445.10), dbSNP rs2118355270, ClinGen allele CA374216742.

ClinVar aggregate classification (germline): Uncertain significance. Review status: criteria provided, multiple submitters, no conflicts (2 of 4 stars). 2 submissions from 2 submitters: Uncertain significance (2). Last evaluated 2024-05-06.

gnomAD v4.1: 1 of 1,612,824 alleles (0.000062%); highest among the groups gnomAD compares: Non-Finnish European, 0.000085%; no homozygotes.

Submissions (2):

Labcorp Genetics (formerly Invitae), Labcorp
Classification: Uncertain significance. Last evaluated: 2024-05-06. Review status: criteria provided, single submitter. Criteria: Invitae Variant Classification Sherloc (09022015). Collection method: clinical testing. Allele origin: germline.
Comment: This sequence change replaces leucine, which is neutral and non-polar, with valine, which is neutral and non-polar, at codon 152 of the GALNT12 protein (p.Leu152Val). This variant is not present in population databases (gnomAD no frequency). This variant has not been reported in the literature in individuals affected with GALNT12-related conditions. ClinVar contains an entry for this variant (Variation ID: 1511445). Advanced modeling of protein sequence and biophysical properties (such as structural, functional, and spatial information, amino acid conservation, physicochemical variation, residue mobility, and thermodynamic stability) performed at Invitae indicates that this missense variant is not expected to disrupt GALNT12 protein function with a negative predictive value of 80%. In summary, the available evidence is currently insufficient to determine the role of this variant in disease. Therefore, it has been classified as a Variant of Uncertain Significance.

Ambry Genetics
Classification: Uncertain significance. Last evaluated: 2022-04-29. Review status: criteria provided, single submitter. Criteria: Ambry Variant Classification Scheme 2023. Collection method: clinical testing. Allele origin: germline.
Comment: The p.L152V variant (also known as c.454C>G), located in coding exon 2 of the GALNT12 gene, results from a C to G substitution at nucleotide position 454. The leucine at codon 152 is replaced by valine, an amino acid with highly similar properties. This amino acid position is highly conserved in available vertebrate species. In addition, this alteration is predicted to be deleterious by in silico analysis. The evidence for this gene-disease relationship is limited; therefore, the clinical significance of this alteration is unclear.